The following is an entry in ClinVar:

NM_004656.4(BAP1):c.1531A>G (p.Ile511Val)

Gene: BAP1 (BRCA1 associated deubiquitinase 1; minus strand). Cytogenetic location: 3p21.1.
Variant type: single nucleotide variant.
Coding change: c.1531A>G on transcript NM_004656.4 (MANE Select); coding-DNA position 1531, A replaced by G.
Protein change: p.Ile511Val; replaces isoleucine 511 with valine.
Molecular consequence: missense variant.
Genome position (GRCh38, 1-based): chr3:52,403,614, T>C on the plus strand (A>G on the coding strand, the complement: BAP1 is on the minus strand). VCF-style: chr3-52403614-T-C. GRCh37 (hg19) VCF-style: chr3-52437630-T-C.
Other names: short protein forms I511V.
Identifiers: ClinVar variation 920755 (VCV000920755.9), dbSNP rs1559586695, ClinGen allele CA353100808.

ClinVar aggregate classification (germline): Conflicting classifications of pathogenicity. Review status: criteria provided, conflicting classifications (1 of 4 stars). 3 submissions from 3 submitters: Uncertain significance (2); Likely benign (1). Last evaluated 2025-01-19.

Conditions:
Hereditary cancer-predisposing syndrome. Also called: Neoplastic Syndromes, Hereditary; Tumor predisposition; Hereditary Cancer Syndrome; Hereditary neoplastic syndrome. Identifiers: Orphanet 140162, MedGen C0027672, MeSH D009386, MONDO:0015356.
BAP1-related tumor predisposition syndrome (TPDS1). Also called: Tumor susceptibility linked to germline BAP1 mutations; COMMON Syndrome; TUMOR PREDISPOSITION SYNDROME 1; BAP1 tumor predisposition syndrome. Identifiers: Orphanet 289539, MedGen C3280492, MONDO:0013692, OMIM 614327.

Submissions (3):

Labcorp Genetics (formerly Invitae), Labcorp
Classification: Uncertain significance for BAP1-related tumor predisposition syndrome. Last evaluated: 2025-01-19. Review status: criteria provided, single submitter. Criteria: Invitae Variant Classification Sherloc (09022015). Collection method: clinical testing. Allele origin: germline.
Comment: This sequence change replaces isoleucine, which is neutral and non-polar, with valine, which is neutral and non-polar, at codon 511 of the BAP1 protein (p.Ile511Val). This variant is not present in population databases (gnomAD no frequency). This variant has not been reported in the literature in individuals affected with BAP1-related conditions. ClinVar contains an entry for this variant (Variation ID: 920755). Invitae Evidence Modeling of protein sequence and biophysical properties (such as structural, functional, and spatial information, amino acid conservation, physicochemical variation, residue mobility, and thermodynamic stability) indicates that this missense variant is not expected to disrupt BAP1 protein function with a negative predictive value of 80%. In summary, the available evidence is currently insufficient to determine the role of this variant in disease. Therefore, it has been classified as a Variant of Uncertain Significance.

Ambry Genetics
Classification: Likely benign for Hereditary cancer-predisposing syndrome. Last evaluated: 2024-07-01. Review status: criteria provided, single submitter. Criteria: Ambry Variant Classification Scheme 2023. Collection method: clinical testing. Allele origin: germline.

Color Diagnostics, LLC DBA Color Health
Classification: Uncertain significance for Hereditary cancer-predisposing syndrome. Last evaluated: 2023-12-05. Review status: criteria provided, single submitter. Criteria: ACMG Guidelines, 2015. Collection method: clinical testing. Allele origin: germline.
Comment: This missense variant replaces isoleucine with valine at codon 511 of the BAP1 protein. Computational prediction suggests that this variant may not impact protein structure and function (internally defined REVEL score threshold <= 0.5, PMID: 27666373). To our knowledge, functional studies have not been reported for this variant. This variant has not been reported in individuals affected with BAP1-related disorders in the literature. This variant has not been identified in the general population by the Genome Aggregation Database (gnomAD). The available evidence is insufficient to determine the role of this variant in disease conclusively. Therefore, this variant is classified as a Variant of Uncertain Significance.